The following is an entry in ClinVar:

NM_002230.4(JUP):c.403G>C (p.Asp135His)

Gene: JUP (junction plakoglobin; minus strand). Cytogenetic location: 17q21.2.
Variant type: single nucleotide variant.
Coding change: c.403G>C on transcript NM_002230.4 (MANE Select); coding-DNA position 403, G replaced by C.
Protein change: p.Asp135His; replaces aspartic acid 135 with histidine.
Molecular consequence: missense variant.
Genome position (GRCh38, 1-based): chr17:41,769,483, C>G on the plus strand (G>C on the coding strand, the complement: JUP is on the minus strand). VCF-style: chr17-41769483-C-G. GRCh37 (hg19) VCF-style: chr17-39925735-C-G.
Other names: c.403G>C, p.Asp135His (NM_001352773.2, NM_001352774.2, NM_001352775.2 and 3 more transcripts); short protein forms D135H.
Identifiers: ClinVar variation 640516 (VCV000640516.8), dbSNP rs1555605721, ClinGen allele CA399505033.

ClinVar aggregate classification (germline): Uncertain significance (1 of 4 stars; one submission).

Conditions:
Arrhythmogenic right ventricular dysplasia 12. Also called: ARRHYTHMOGENIC RIGHT VENTRICULAR DYSPLASIA, FAMILIAL, 12. Identifiers: MedGen C1969081, MONDO:0012684, OMIM 611528.
Naxos disease (NXD). Also called: CARDIOMYOPATHY, ARRHYTHMOGENIC RIGHT VENTRICULAR, WITH SKIN, HAIR, AND NAIL ABNORMALITIES; WOOLLY HAIR, PALMOPLANTAR KERATODERMA, AND CARDIAC ABNORMALITIES; KERATOSIS PALMOPLANTARIS WITH ARRHYTHMOGENIC CARDIOMYOPATHY; MAL DE NAXOS; PALMOPLANTAR KERATODERMA WITH ARRHYTHMOGENIC RIGHT VENTRICULAR CARDIOMYOPATHY AND WOOLLY HAIR. Identifiers: Orphanet 34217, MedGen C1832600, MONDO:0011017, OMIM 601214.

Allele frequency attached by ClinVar (database versions not stated): gnomAD exomes below 0.00001.

Submission:

Labcorp Genetics (formerly Invitae), Labcorp
Classification: Uncertain significance for Arrhythmogenic right ventricular dysplasia 12; Naxos disease. Last evaluated: 2018-09-06. Review status: criteria provided, single submitter. Criteria: Invitae Variant Classification Sherloc (09022015). Collection method: clinical testing. Allele origin: germline.
Comment: This sequence change replaces aspartic acid with histidine at codon 135 of the JUP protein (p.Asp135His). The aspartic acid residue is moderately conserved and there is a moderate physicochemical difference between aspartic acid and histidine. This variant is not present in population databases (ExAC no frequency). This variant has not been reported in the literature in individuals with JUP-related disease. Algorithms developed to predict the effect of missense changes on protein structure and function are either unavailable or do not agree on the potential impact of this missense change (SIFT: "Tolerated"; PolyPhen-2: "Probably Damaging"; Align-GVGD: "Class C0"). In summary, the available evidence is currently insufficient to determine the role of this variant in disease. Therefore, it has been classified as a Variant of Uncertain Significance.